The following is an entry in ClinVar:

NM_004415.4(DSP):c.8042A>C (p.Asp2681Ala)

Gene: DSP (desmoplakin; plus strand). Cytogenetic location: 6p24.3.
Variant type: single nucleotide variant.
Coding change: c.8042A>C on transcript NM_004415.4 (MANE Select); coding-DNA position 8042, A replaced by C.
Protein change: p.Asp2681Ala; replaces aspartic acid 2681 with alanine.
Molecular consequence: missense variant.
Genome position (GRCh38, 1-based): chr6:7,585,304, A>C. VCF-style: chr6-7585304-A-C. GRCh37 (hg19) VCF-style: chr6-7585537-A-C.
Other names: c.6245A>C, p.Asp2082Ala (NM_001008844.3); c.6713A>C, p.Asp2238Ala (NM_001319034.2); short protein forms D2681A, D2082A, D2238A.
Identifiers: ClinVar variation 925745 (VCV000925745.19), dbSNP rs746166372, ClinGen allele CA051439.

ClinVar aggregate classification (germline): Conflicting classifications of pathogenicity. Review status: criteria provided, conflicting classifications (1 of 4 stars). 6 submissions from 6 submitters: Uncertain significance (5); Likely benign (1). Last evaluated 2025-11-05.

Conditions:
Cardiovascular phenotype. Identifiers: MedGen CN230736.
Cardiomyopathy (CMYO). Also called: Cardiomyopathies. Identifiers: Orphanet 167848, MedGen C0878544, MONDO:0004994, HP:0001638. Inheritance: Various modes of inheritance.
Arrhythmogenic cardiomyopathy with wooly hair and keratoderma. Also called: Carvajal syndrome; Dilated cardiomyopathy with woolly hair and keratoderma; PALMOPLANTAR KERATODERMA WITH LEFT VENTRICULAR CARDIOMYOPATHY AND WOOLLY HAIR; Arrhythmogenic cardiomyopathy with woolly hair and keratoderma. Identifiers: Orphanet 65282, MedGen C1854063, MONDO:0011581, OMIM 605676.
Arrhythmogenic right ventricular dysplasia 8 (ARVD8). Also called: Arrhythmogenic Right Ventricular Dysplasia/Cardiomyopathy 8; ARRHYTHMOGENIC RIGHT VENTRICULAR CARDIOMYOPATHY 8; ARRHYTHMOGENIC RIGHT VENTRICULAR DYSPLASIA, FAMILIAL, 8. Identifiers: MedGen C1843896, MONDO:0011831, OMIM 607450.

Allele frequency attached by ClinVar (database versions not stated): gnomAD exomes 0.00001 and 0.00002; ExAC 0.00003.
gnomAD v4.1: 11 of 1,614,158 alleles (0.00068%); highest among the groups gnomAD compares: Middle Eastern, 0.13%; 1 homozygote.

Submissions (6):

Labcorp Genetics (formerly Invitae), Labcorp
Classification: Likely benign for Arrhythmogenic cardiomyopathy with wooly hair and keratoderma; Arrhythmogenic right ventricular dysplasia 8. Last evaluated: 2025-11-05. Review status: criteria provided, single submitter. Criteria: Invitae Variant Classification Sherloc (09022015). Collection method: clinical testing. Allele origin: germline.

GeneDx
Classification: Uncertain significance. Last evaluated: 2025-04-01. Review status: criteria provided, single submitter. Criteria: GeneDx Variant Classification Process June 2021. Collection method: clinical testing. Allele origin: germline.
Comment: Not observed at significant frequency in large population cohorts (gnomAD); In silico analysis supports that this missense variant has a deleterious effect on protein structure/function; Has not been previously published as pathogenic or benign to our knowledge

ARUP Laboratories, Molecular Genetics and Genomics, ARUP Laboratories
Classification: Uncertain significance. Last evaluated: 2024-07-11. Review status: criteria provided, single submitter. Criteria: ARUP Molecular Germline Variant Investigation Process 2024. Collection method: clinical testing. Allele origin: germline.
Comment: The DSP c.8042A>C; p.Asp2681Ala variant (rs746166372), to our knowledge, is not reported in the medical literature but is reported in ClinVar (Variation ID: 925745). This variant is found in the general population with an overall allele frequency of 0.002% (5/251,174 alleles) in the Genome Aggregation Database (v2.1.1). Computational analyses predict that this variant is deleterious (REVEL: 0.853). However, given the lack of clinical and functional data, the significance of this variant is uncertain at this time.

Color Diagnostics, LLC DBA Color Health
Classification: Uncertain significance for Cardiomyopathy. Last evaluated: 2024-03-07. Review status: criteria provided, single submitter. Criteria: ACMG Guidelines, 2015. Collection method: clinical testing. Allele origin: germline.
Comment: This missense variant replaces aspartic acid with alanine at codon 2681 of the DSP protein. Computational prediction suggests that this variant may have deleterious impact on protein structure and function (internally defined REVEL score threshold >= 0.7, PMID: 27666373). To our knowledge, functional studies have not been reported for this variant. This variant has not been reported in individuals affected with cardiovascular disorders in the literature. This variant has been identified in 5/251174 chromosomes in the general population by the Genome Aggregation Database (gnomAD). The available evidence is insufficient to determine the role of this variant in disease conclusively. Therefore, this variant is classified as a Variant of Uncertain Significance.

All of Us Research Program, National Institutes of Health
Classification: Uncertain significance for Arrhythmogenic cardiomyopathy with wooly hair and keratoderma. Last evaluated: 2024-01-11. Review status: criteria provided, single submitter. Criteria: ACMG Guidelines, 2015. Collection method: clinical testing. Allele origin: germline. Inheritance: Autosomal dominant inheritance. Observed: 2 variant alleles, 2 heterozygotes.
Comment: This missense variant replaces aspartic acid with alanine at codon 2681 of the DSP protein. Computational prediction suggests that this variant may have deleterious impact on protein structure and function (internally defined REVEL score threshold >= 0.7, PMID: 27666373). To our knowledge, functional studies have not been reported for this variant. This variant has not been reported in individuals affected with cardiovascular disorders in the literature. This variant has been identified in 5/251174 chromosomes in the general population by the Genome Aggregation Database (gnomAD). The available evidence is insufficient to determine the role of this variant in disease conclusively. Therefore, this variant is classified as a Variant of Uncertain Significance.

This study involves interpretation of variants in research participants for the purpose of population health screening. Participant phenotype was not available at the time of variant classification. Additional details can be found in publication PMID: 35346344, PMCID: PMC8962531

Ambry Genetics
Classification: Uncertain significance for Cardiovascular phenotype. Last evaluated: 2018-10-16. Review status: criteria provided, single submitter. Criteria: Ambry Variant Classification Scheme 2023. Collection method: clinical testing. Allele origin: germline.
Comment: The p.D2681A variant (also known as c.8042A>C), located in coding exon 24 of the DSP gene, results from an A to C substitution at nucleotide position 8042. The aspartic acid at codon 2681 is replaced by alanine, an amino acid with dissimilar properties. This amino acid position is highly conserved in available vertebrate species. In addition, this alteration is predicted to be deleterious by in silico analysis. Since supporting evidence is limited at this time, the clinical significance of this alteration remains unclear.